The following is an entry in ClinVar:

NM_005762.3(TRIM28):c.84C>T (p.Gly28=)

Genes: TRIM28 (tripartite motif containing 28; plus strand), LOC130065239 (ATAC-STARR-seq lymphoblastoid silent region 11093; plus strand). Cytogenetic location: 19q13.43.
Variant type: single nucleotide variant.
Coding change: c.84C>T on transcript NM_005762.3 (MANE Select); coding-DNA position 84, C replaced by T.
Protein change: p.Gly28=; no amino-acid change (glycine 28 retained).
Molecular consequence: synonymous variant.
Genome position (GRCh38, 1-based): chr19:58,544,841, C>T. VCF-style: chr19-58544841-C-T. GRCh37 (hg19) VCF-style: chr19-59056208-C-T.
Identifiers: ClinVar variation 2650594 (VCV002650594.26), dbSNP rs746394873, ClinGen allele CA9718785.

ClinVar aggregate classification (germline): Likely benign. Review status: criteria provided, multiple submitters, no conflicts (2 of 4 stars). 2 submissions from 2 submitters: Likely benign (2). Last evaluated 2025-12-06.

Allele frequency attached by ClinVar (database versions not stated): ExAC 0.00862; gnomAD exomes 0.00015; TOPMed 0.00015; gnomAD 0.00022.

Submissions (2):

Labcorp Genetics (formerly Invitae), Labcorp
Classification: Likely benign. Last evaluated: 2025-12-06. Review status: criteria provided, single submitter. Criteria: Invitae Variant Classification Sherloc (09022015). Collection method: clinical testing. Allele origin: germline.

CeGaT Center for Human Genetics Tuebingen
Classification: Likely benign. Last evaluated: 2024-05-01. Review status: criteria provided, single submitter. Criteria: CeGaT Center For Human Genetics Tuebingen Variant Classification Criteria Version 2. Collection method: clinical testing. Allele origin: germline. Affected: yes. Observed: 3 variant alleles.
Comment: TRIM28: BP4, BP7